The following is an entry in ClinVar:

NM_018979.4(WNK1):c.2275_2282dup (p.Gln761fs)

Gene: WNK1 (WNK lysine deficient protein kinase 1; plus strand). Cytogenetic location: 12p13.33.
Variant type: Duplication.
Coding change: c.2275_2282dup on transcript NM_018979.4 (MANE Select); coding-DNA positions 2275 to 2282, 8 bases duplicated (CTTTCACA; older notation c.2275_2282dupCTTTCACA).
Protein change: p.Gln761fs; shifts the reading frame from glutamine 761.
Molecular consequence: frameshift variant.
Genome position (GRCh38, 1-based): chr12:878,263-878,270, CTTTCACA duplicated; duplicating any 8 consecutive bases within chr12:878,261-878,270 gives the same sequence; the c. name uses the placement nearest the transcript's 3' end. VCF-style (leftmost placement, unchanged base first): chr12-878260-T-TCACTTTCA. GRCh37 (hg19) VCF-style: chr12-987426-T-TCACTTTCA.
Other names: c.3514_3521dup, p.Gln1174fs (NM_001184985.2); c.2272_2279dup, p.Gln760fs (NM_014823.3); c.3769_3776dup, p.Gln1259fs (NM_213655.5); short protein forms Q760fs, Q1174fs, Q1259fs, Q761fs.
Identifiers: ClinVar variation 658949 (VCV000658949.6), dbSNP rs1592141343, ClinGen allele CA915947793.

ClinVar aggregate classification (germline): Pathogenic (1 of 4 stars; one submission).

Conditions:
Pseudohypoaldosteronism type 2C (PHA2C). Also called: Pseudohypoaldosteronism Type IIC. Identifiers: Orphanet 757, Orphanet 88940, MedGen C1840391, MONDO:0013778, OMIM 614492.
Neuropathy, hereditary sensory and autonomic, type 2A (HSAN2A). Also called: ACROOSTEOLYSIS, GIACCAI TYPE; ACROOSTEOLYSIS, NEUROGENIC; HSAN IIA; WNK1-Related HSAN2 (HSAN2A); MORVAN DISEASE; NEUROPATHY, CONGENITAL SENSORY. Identifiers: Orphanet 970, MedGen C2752089, MONDO:0024309, OMIM 201300.

Submission:

Labcorp Genetics (formerly Invitae), Labcorp
Classification: Pathogenic for Neuropathy, hereditary sensory and autonomic, type 2A; Pseudohypoaldosteronism type 2C. Last evaluated: 2018-11-07. Review status: criteria provided, single submitter. Criteria: Invitae Variant Classification Sherloc (09022015). Collection method: clinical testing. Allele origin: germline.
Comment: This variant is not present in population databases (ExAC no frequency). This variant has not been reported in the literature in individuals with WNK1-related disease. Loss-of-function variants in WNK1 are known to be pathogenic (PMID: 22910560). For these reasons, this variant has been classified as Pathogenic. This sequence change creates a premature translational stop signal (p.Gln761Hisfs*17) in the WNK1 gene. It is expected to result in an absent or disrupted protein product.

Literature cited by the submitters: PubMed 22910560.